The following is an entry in ClinVar:

ClinVar aggregate classification (germline): Uncertain significance. Review status: criteria provided, multiple submitters, no conflicts (2 of 4 stars). 2 submissions from 2 submitters: Uncertain significance (2). Last evaluated 2024-09-22.

Conditions:
Joubert syndrome. Also called: CEREBELLOPARENCHYMAL DISORDER IV; JOUBERT-BOLTSHAUSER SYNDROME; Familial aplasia of the vermis. Identifiers: Orphanet 475, MedGen C5979921, MONDO:0018772.
Orofaciodigital syndrome I (OFD1). Also called: OFDS I; Papillon-Leage and Psaume Syndrome; Oral-Facial-Digital Syndrome Type I. Identifiers: Orphanet 2750, MedGen C1510460, MONDO:0010702, OMIM 311200.

Allele frequency attached by ClinVar (database versions not stated): gnomAD exomes below 0.00001 and 0.00001; TOPMed 0.00001.
gnomAD v4.1: 5 of 1,200,957 alleles (0.00042%); highest among the groups gnomAD compares: Admixed American, 0.0066%; no homozygotes.

Submissions (2):

Labcorp Genetics (formerly Invitae), Labcorp
Classification: Uncertain significance for Orofaciodigital syndrome I; Joubert syndrome. Last evaluated: 2024-09-22. Review status: criteria provided, single submitter. Criteria: Invitae Variant Classification Sherloc (09022015). Collection method: clinical testing. Allele origin: germline.
Comment: This sequence change replaces glutamic acid, which is acidic and polar, with lysine, which is basic and polar, at codon 226 of the OFD1 protein (p.Glu226Lys). This variant is present in population databases (no rsID available, gnomAD 0.008%). This variant has not been reported in the literature in individuals affected with OFD1-related conditions. ClinVar contains an entry for this variant (Variation ID: 1306005). Invitae Evidence Modeling of protein sequence and biophysical properties (such as structural, functional, and spatial information, amino acid conservation, physicochemical variation, residue mobility, and thermodynamic stability) indicates that this missense variant is not expected to disrupt OFD1 protein function with a negative predictive value of 80%. In summary, the available evidence is currently insufficient to determine the role of this variant in disease. Therefore, it has been classified as a Variant of Uncertain Significance.

GeneDx
Classification: Uncertain significance. Last evaluated: 2019-05-20. Review status: criteria provided, single submitter. Criteria: GeneDx Variant Classification Process June 2021. Collection method: clinical testing. Allele origin: germline. Affected: yes.
Comment: In silico analysis, which includes protein predictors and evolutionary conservation, supports a deleterious effect; Has not been previously published as pathogenic or benign to our knowledge

NM_003611.3(OFD1):c.676G>A (p.Glu226Lys)

Gene: OFD1 (OFD1 centriole and centriolar satellite protein; plus strand). Cytogenetic location: Xp22.2.
Variant type: single nucleotide variant.
Coding change: c.676G>A on transcript NM_003611.3 (MANE Select); coding-DNA position 676, G replaced by A.
Protein change: p.Glu226Lys; replaces glutamic acid 226 with lysine.
Molecular consequence: missense variant.
Genome position (GRCh38, 1-based): chrX:13,746,801, G>A. VCF-style: chrX-13746801-G-A. GRCh37 (hg19) VCF-style: chrX-13764920-G-A.
Other names: c.676G>A, p.Glu226Lys (NM_001330209.2); c.256G>A, p.Glu86Lys (NM_001330210.2); short protein forms E226K, E86K.
Identifiers: ClinVar variation 1306005 (VCV001306005.3), dbSNP rs1273056528, ClinGen allele CA412337849.